The following is an entry in ClinVar:

ClinVar aggregate classification (germline): Benign. Review status: criteria provided, multiple submitters, no conflicts (2 of 4 stars). 4 submissions from 4 submitters: Benign (3). 1 of the submissions does not count toward it. Last evaluated 2026-09-01.

Conditions:
HHAT-related disorder. Also called: HHAT-related condition.

Allele frequency attached by ClinVar (database versions not stated): ESP Exome Variant Server 0.00830; gnomAD exomes 0.00843; ExAC 0.00864; 1000 Genomes Project 30x 0.00453; 1000 Genomes Project 0.00499; gnomAD 0.00772 and 0.00774; TOPMed 0.00810.
gnomAD v4.1: 16,653 of 1,614,064 alleles (1%); highest among the groups gnomAD compares: Non-Finnish European, 1.2%; 102 homozygotes.

Submissions (4):

CeGaT Center for Human Genetics Tuebingen
Classification: Benign. Last evaluated: 2026-09-01. Review status: criteria provided, single submitter. Criteria: CeGaT Center For Human Genetics Tuebingen Variant Classification Criteria Version 2. Collection method: clinical testing. Allele origin: germline. Affected: yes. Observed: 6 variant alleles.
Comment: HHAT: BP4, BP7, BS1, BS2

Labcorp Genetics (formerly Invitae), Labcorp
Classification: Benign. Last evaluated: 2026-01-15. Review status: criteria provided, single submitter. Criteria: Invitae Variant Classification Sherloc (09022015). Collection method: clinical testing. Allele origin: germline.

Breakthrough Genomics
Classification: Benign. Review status: criteria provided, single submitter. Criteria: ACMG Guidelines, 2015. Collection method: not provided. Allele origin: germline. Inheritance: Autosomal recessive inheritance. Affected: yes.

PreventionGenetics, part of Exact Sciences
Classification: Likely benign for HHAT-related condition. Last evaluated: 2020-07-20. Review status: no assertion criteria provided. Collection method: clinical testing. Allele origin: germline. Not counted in ClinVar's aggregate classification.
Comment: This variant is classified as likely benign based on ACMG/AMP sequence variant interpretation guidelines (Richards et al. 2015 PMID: 25741868, with internal and published modifications).

NM_018194.6(HHAT):c.1146C>T (p.Tyr382=)

Gene: HHAT (hedgehog acyltransferase; plus strand). Cytogenetic location: 1q32.2.
Variant type: single nucleotide variant.
Coding change: c.1146C>T on transcript NM_018194.6 (MANE Select); coding-DNA position 1146, C replaced by T.
Protein change: p.Tyr382=; no amino-acid change (tyrosine 382 retained).
Molecular consequence: synonymous variant.
Genome position (GRCh38, 1-based): chr1:210,588,000, C>T. VCF-style: chr1-210588000-C-T. GRCh37 (hg19) VCF-style: chr1-210761344-C-T.
Other names: c.1146C>T, p.Tyr382= (NM_001122834.4, NM_001170580.3); c.735C>T, p.Tyr245= (NM_001170564.3); c.1149C>T, p.Tyr383= (NM_001170587.3); c.951C>T, p.Tyr317= (NM_001170588.3).
Identifiers: ClinVar variation 769256 (VCV000769256.36), dbSNP rs145923092, ClinGen allele CA1379378.
Genomic context (GRCh38, chr1:210,588,000, plus strand): 5'-GGGGACACTGTTTTCCACGGCGATGACATTTGCATTTGTGAGCTACTGGCATGGCGGCTA[C>T]GACTACCTCTGGTGCTGGGCAGCGCTCAACTGGCTGGGAGTCACTGTGGAGAATGGAGTC-3'
Protein context (NP_060664.2, residues 372-392): FAFVSYWHGG[Tyr382=]DYLWCWAALN